The following is an entry in ClinVar:

NM_001291867.2(NHS):c.2638C>G (p.His880Asp)

Gene: NHS (NHS actin remodeling regulator; plus strand). Cytogenetic location: Xp22.13.
Variant type: single nucleotide variant.
Coding change: c.2638C>G on transcript NM_001291867.2 (MANE Select); coding-DNA position 2638, C replaced by G.
Protein change: p.His880Asp; replaces histidine 880 with aspartic acid.
Molecular consequence: missense variant.
Genome position (GRCh38, 1-based): chrX:17,726,744, C>G. VCF-style: chrX-17726744-C-G. GRCh37 (hg19) VCF-style: chrX-17744864-C-G.
Other names: c.2107C>G, p.His703Asp (NM_001136024.4); c.2044C>G, p.His682Asp (NM_001291868.2); c.2299C>G, p.His767Asp (NM_001440780.1); c.2575C>G, p.His859Asp (NM_198270.4); short protein forms H682D, H767D, H703D, H859D, H880D.
Identifiers: ClinVar variation 4744256 (VCV004744256.1).
Genomic context (GRCh38, chrX:17,726,744, plus strand): 5'-AAGTCTGATGGAAACGCAGATATTTCTGAGAAGAAAGAACCAAAGATAAGCAGTGGTCAG[C>G]ACCTGCCTCACAGTTCCAGGGAAATGAAGCTGCCTCTTGATTTCGCCAACACGCCTTCTC-3'
Protein context (NP_001278796.1, residues 870-890): KKEPKISSGQ[His880Asp]LPHSSREMKL

ClinVar aggregate classification (germline): Uncertain significance (1 of 4 stars; one submission).

Conditions:
Nance-Horan syndrome (NHS). Identifiers: Orphanet 627, MedGen C0796085, MONDO:0010545, OMIM 302350.

Submission:

Labcorp Genetics (formerly Invitae), Labcorp
Classification: Uncertain significance for Nance-Horan syndrome. Last evaluated: 2025-12-09. Review status: criteria provided, single submitter. Criteria: Invitae Variant Classification Sherloc (09022015). Collection method: clinical testing. Allele origin: germline.
Comment: This sequence change replaces histidine, which is basic and polar, with aspartic acid, which is acidic and polar, at codon 859 of the NHS protein (p.His859Asp). This variant is not present in population databases (gnomAD no frequency). This variant has not been reported in the literature in individuals affected with NHS-related conditions. Invitae Evidence Modeling of protein sequence and biophysical properties (such as structural, functional, and spatial information, amino acid conservation, physicochemical variation, residue mobility, and thermodynamic stability) indicates that this missense variant is not expected to disrupt NHS protein function with a negative predictive value of 80%. In summary, the available evidence is currently insufficient to determine the role of this variant in disease. Therefore, it has been classified as a Variant of Uncertain Significance.